The following is an entry in ClinVar:

NM_000051.4(ATM):c.7026dup (p.Asn2343fs)

Genes: ATM (ATM serine/threonine kinase; plus strand), C11orf65 (chromosome 11 open reading frame 65; minus strand). Cytogenetic location: 11q22.3.
Variant type: Duplication.
Coding change: c.7026dup on transcript NM_000051.4 (MANE Select); coding-DNA position 7026, one base duplicated (C; older notation c.7026dupC).
Protein change: p.Asn2343fs; shifts the reading frame from asparagine 2343.
Molecular consequence: frameshift variant. On other transcripts: intron variant (2).
Genome position (GRCh38, 1-based): chr11:108,327,695, C duplicated. VCF-style (leftmost placement, unchanged base first): chr11-108327694-G-GC. GRCh37 (hg19) VCF-style: chr11-108198421-G-GC.
Other names: c.7026dup, p.Asn2343fs (NM_001351834.2); c.641-18624dup (NM_001330368.2); c.*38+7525dup (NM_001351110.2); c.7026dupC (NM_000051.3); short protein forms N2343fs.
Identifiers: ClinVar variation 479034 (VCV000479034.10), dbSNP rs1555121020, ClinGen allele CA658656286.

ClinVar aggregate classification (germline): Pathogenic/Likely pathogenic. Review status: criteria provided, multiple submitters, no conflicts (2 of 4 stars). 3 submissions from 3 submitters: Pathogenic (2); Likely pathogenic (1). Last evaluated 2024-12-02.

Conditions:
Familial cancer of breast. Also called: Hereditary breast cancer; BREAST CANCER, FAMILIAL; hereditary breast carcinoma. Identifiers: Orphanet 227535, MedGen C0346153, MONDO:0016419, OMIM 114480. Disease mechanism: loss of function.
Ataxia-telangiectasia syndrome (AT). Also called: LOUIS-BAR SYNDROME; Cerebello-oculocutaneous telangiectasia; Immunodeficiency with ataxia telangiectasia; Ataxia-telangiectasia, complementation group D; AT, COMPLEMENTATION GROUP C; Ataxia-telangiectasia, complementation group E. Identifiers: Orphanet 100, MedGen C0004135, MONDO:0008840, OMIM 208900.
Hereditary cancer-predisposing syndrome. Also called: Neoplastic Syndromes, Hereditary; Hereditary Cancer Syndrome; Tumor predisposition; Hereditary neoplastic syndrome. Identifiers: Orphanet 140162, MedGen C0027672, MeSH D009386, MONDO:0015356.

Submissions (3):

Labcorp Genetics (formerly Invitae), Labcorp
Classification: Pathogenic for Ataxia-telangiectasia syndrome. Last evaluated: 2024-12-02. Review status: criteria provided, single submitter. Criteria: Invitae Variant Classification Sherloc (09022015). Collection method: clinical testing. Allele origin: germline.
Comment: This sequence change creates a premature translational stop signal (p.Asn2343Glnfs*30) in the ATM gene. It is expected to result in an absent or disrupted protein product. Loss-of-function variants in ATM are known to be pathogenic (PMID: 23807571, 25614872). This variant is not present in population databases (gnomAD no frequency). This variant has not been reported in the literature in individuals affected with ATM-related conditions. ClinVar contains an entry for this variant (Variation ID: 479034). Algorithms developed to predict the effect of sequence changes on RNA splicing suggest that this variant may disrupt the consensus splice site. For these reasons, this variant has been classified as Pathogenic.

Fulgent Genetics
Classification: Likely pathogenic for Familial cancer of breast; Ataxia-telangiectasia syndrome. Last evaluated: 2024-04-24. Review status: criteria provided, single submitter. Criteria: ACMG Guidelines, 2015. Collection method: clinical testing. Allele origin: germline.

Ambry Genetics
Classification: Pathogenic for Hereditary cancer-predisposing syndrome. Last evaluated: 2016-09-26. Review status: criteria provided, single submitter. Criteria: Ambry Variant Classification Scheme 2023. Collection method: clinical testing. Allele origin: germline.
Comment: The c.7026dupC pathogenic mutation, located in coding exon 47 of the ATM gene, results from a duplication of C at nucleotide position 7026, causing a translational frameshift with a predicted alternate stop codon. This alteration is expected to result in loss of function by premature protein truncation or nonsense-mediated mRNA decay. As such, this alteration is interpreted as a disease-causing mutation.

Literature cited by the submitters: PubMed 23807571 (cited by Labcorp Genetics (formerly Invitae), Labcorp); PubMed 25614872 (cited by Labcorp Genetics (formerly Invitae), Labcorp).